The following is an entry in ClinVar:

ClinVar aggregate classification (germline): Benign/Likely benign. Review status: criteria provided, multiple submitters, no conflicts (2 of 4 stars). 2 submissions from 2 submitters: Benign (1); Likely benign (1). Last evaluated 2025-03-17.

Conditions:
Nail-patella syndrome (NPS). Also called: FONG DISEASE; ONYCHOOSTEODYSPLASIA; TURNER-KIESER SYNDROME. Identifiers: Orphanet 2614, MedGen C0027341, MONDO:0008061, OMIM 161200.

Allele frequency attached by ClinVar (database versions not stated): gnomAD 0.00006; TOPMed 0.00006; ExAC 0.00007; gnomAD exomes 0.00008 and 0.00016.
gnomAD v4.1: 126 of 1,613,702 alleles (0.0078%); highest among the groups gnomAD compares: Admixed American, 0.0033%; no homozygotes.

Submissions (2):

Labcorp Genetics (formerly Invitae), Labcorp
Classification: Benign. Last evaluated: 2025-03-17. Review status: criteria provided, single submitter. Criteria: Invitae Variant Classification Sherloc (09022015). Collection method: clinical testing. Allele origin: germline.

Illumina Laboratory Services, Illumina
Classification: Likely benign for Nail-patella syndrome. Last evaluated: 2018-01-13. Review status: criteria provided, single submitter. Criteria: ICSL Variant Classification Criteria 13 December 2019. Collection method: clinical testing. Allele origin: germline.
Comment: This variant was observed in the ICSL laboratory as part of a predisposition screen in an ostensibly healthy population. It had not been previously curated by ICSL or reported in the Human Gene Mutation Database (HGMD: prior to June 1st, 2018), and was therefore a candidate for classification through an automated scoring system. Utilizing variant allele frequency, disease prevalence and penetrance estimates, and inheritance mode, an automated score was calculated to assess if this variant is too frequent to cause the disease. Based on the score and internal cut-off values, a variant classified as likely benign is not then subjected to further curation. The score for this variant resulted in a classification of likely benign for this disease.

NM_001174147.2(LMX1B):c.381C>T (p.Phe127=)

Gene: LMX1B (LIM homeobox transcription factor 1 beta; plus strand). Cytogenetic location: 9q33.3.
Variant type: single nucleotide variant.
Coding change: c.381C>T on transcript NM_001174147.2 (MANE Select); coding-DNA position 381, C replaced by T.
Protein change: p.Phe127=; no amino-acid change (phenylalanine 127 retained).
Molecular consequence: synonymous variant.
Genome position (GRCh38, 1-based): chr9:126,690,890, C>T. VCF-style: chr9-126690890-C-T. GRCh37 (hg19) VCF-style: chr9-129453169-C-T.
Other names: c.381C>T, p.Phe127= (NM_001174146.2, NM_002316.4).
Identifiers: ClinVar variation 364877 (VCV000364877.12), dbSNP rs540034621, ClinGen allele CA5242305.
Genomic context (GRCh38, chr9:126,690,890, plus strand): 5'-CCGCAGGCTCTTCGCGGCCAAGTGCAGCGGCTGCATGGAGAAGATCGCCCCCACCGAGTT[C>T]GTGATGCGGGCGCTGGAGTGCGTGTACCACCTGGGCTGCTTCTGCTGCTGCGTGTGTGAA-3'
Protein context (NP_001167618.1, residues 117-137): GCMEKIAPTE[Phe127=]VMRALECVYH